The following is an entry in ClinVar:

ClinVar aggregate classification (germline): Likely pathogenic (1 of 4 stars; one submission).

Conditions:
Hypertrophic cardiomyopathy 9. Also called: Familial hypertrophic cardiomyopathy 9. Identifiers: MedGen C1861065, MONDO:0013412, OMIM 613765.
Myopathy, myofibrillar, 9, with early respiratory failure (MFM9). Also called: EDSTROM MYOPATHY; MYOPATHY, PROXIMAL, WITH EARLY RESPIRATORY MUSCLE INVOLVEMENT; Hereditary myopathy with early respiratory failure; Myopathy, distal, with early respiratory failure, autosomal dominant. Identifiers: Orphanet 178464, Orphanet 34521, MedGen C1863599, MONDO:0011362, OMIM 603689.
Dilated cardiomyopathy 1G (CMD1G). Identifiers: Orphanet 154, MedGen C1858763, MONDO:0011400, OMIM 604145.
Tibial muscular dystrophy (TMD). Also called: UDD MYOPATHY; Tibial muscular dystrophy, tardive; Udd Distal Myopathy – Tibial Muscular Dystrophy. Identifiers: Orphanet 609, MedGen C1838244, MONDO:0010870, OMIM 600334.

Submission:

Division Of Personalized Genomic Medicine, Columbia University Irving Medical Center
Classification: Likely pathogenic for Dilated cardiomyopathy 1G; Hypertrophic cardiomyopathy 9; Myopathy, myofibrillar, 9, with early respiratory failure; Tibial muscular dystrophy. Last evaluated: 2019-10-16. Review status: criteria provided, single submitter. Criteria: ACMG Guidelines, 2015. Collection method: clinical testing. Allele origin: germline. Inheritance: Autosomal dominant inheritance. Observed: 1 heterozygote.
Comment: The variant, c.92671G>T (p.Glu30891Ter) in the TTN gene, substitutes a conserved glutamic acid residue to a premature termination codon (PTC) at amino acid position 30891 in the A-band of the protein and is predicted to undergo nonsense-medicated decay (NMD). This variant localizes to coding exon 339 of the TTN gene (363 coding exons in total; NM_001267550.2). This variant has not been observed in the Genome Aggregation Database (gnomAD), indicating it is not a common benign variant in the populations represented in this database. To the best of our knowledge, this specific variant has not been described to be associated with disease. However, truncating variants in the A-band of the TTN protein are a known mechanism of disease (PMID: 25589632).

Literature cited by the submitters: PubMed 25589632.

NM_001267550.2(TTN):c.92671G>T (p.Glu30891Ter)

Genes: TTN (titin; minus strand), TTN-AS1 (TTN antisense RNA 1; plus strand). Cytogenetic location: 2q31.2.
Variant type: single nucleotide variant.
Coding change: c.92671G>T on transcript NM_001267550.2 (MANE Select); coding-DNA position 92671, G replaced by T.
Protein change: p.Glu30891Ter; replaces glutamic acid 30891 with a stop codon.
Molecular consequence: nonsense.
Genome position (GRCh38, 1-based): chr2:178,548,955, C>A on the plus strand (G>T on the coding strand, the complement: TTN is on the minus strand). VCF-style: chr2-178548955-C-A. GRCh37 (hg19) VCF-style: chr2-179413682-C-A.
Other names: c.87748G>T, p.Glu29250Ter (NM_001256850.1); c.65476G>T, p.Glu21826Ter (NM_003319.4); c.84967G>T, p.Glu28323Ter (NM_133378.4); c.65851G>T, p.Glu21951Ter (NM_133432.3); c.66052G>T, p.Glu22018Ter (NM_133437.4); short protein forms E21826*, E21951*, E22018*, E28323*, E29250*, E30891*.
Identifiers: ClinVar variation 2581068 (VCV002581068.2), dbSNP rs2469147609, ClinGen allele CA349491996.